The following is an entry in ClinVar:

NM_015386.3(COG4):c.2104C>T (p.Arg702Trp)

Gene: COG4 (component of oligomeric golgi complex 4; minus strand). Cytogenetic location: 16q22.1.
Variant type: single nucleotide variant.
Coding change: c.2104C>T on transcript NM_015386.3 (MANE Select); coding-DNA position 2104, C replaced by T.
Protein change: p.Arg702Trp; replaces arginine 702 with tryptophan.
Molecular consequence: missense variant. On other transcripts: non-coding transcript variant (1).
Genome position (GRCh38, 1-based): chr16:70,481,766, G>A on the plus strand (C>T on the coding strand, the complement: COG4 is on the minus strand). VCF-style: chr16-70481766-G-A. GRCh37 (hg19) VCF-style: chr16-70515669-G-A.
Other names: c.2029C>T, p.Arg677Trp (NM_001195139.2); c.1678C>T, p.Arg560Trp (NM_001365426.1); short protein forms R560W, R677W, R702W.
Identifiers: ClinVar variation 1356864 (VCV001356864.6), dbSNP rs776426825, ClinGen allele CA8144057.

ClinVar aggregate classification (germline): Uncertain significance (1 of 4 stars; one submission).

Conditions:
COG4-congenital disorder of glycosylation. Also called: COG4-CDG; CONGENITAL DISORDER OF GLYCOSYLATION, TYPE IIj; CDG IIj. Identifiers: Orphanet 263501, MedGen C4303552, MONDO:0013281, OMIM 613489.

Allele frequency attached by ClinVar (database versions not stated): TOPMed below 0.00001; ExAC 0.00001; gnomAD 0.00001; gnomAD exomes 0.00001.
gnomAD v4.1: 5 of 1,612,182 alleles (0.00031%); highest among the groups gnomAD compares: Admixed American, 0.0017%; no homozygotes.

Submission:

Labcorp Genetics (formerly Invitae), Labcorp
Classification: Uncertain significance for COG4-congenital disorder of glycosylation. Last evaluated: 2022-06-05. Review status: criteria provided, single submitter. Criteria: Invitae Variant Classification Sherloc (09022015). Collection method: clinical testing. Allele origin: germline.
Comment: This variant is present in population databases (rs776426825, gnomAD 0.003%). This sequence change replaces arginine, which is basic and polar, with tryptophan, which is neutral and slightly polar, at codon 702 of the COG4 protein (p.Arg702Trp). This variant has not been reported in the literature in individuals affected with COG4-related conditions. In summary, the available evidence is currently insufficient to determine the role of this variant in disease. Therefore, it has been classified as a Variant of Uncertain Significance. Algorithms developed to predict the effect of missense changes on protein structure and function (SIFT, PolyPhen-2, Align-GVGD) all suggest that this variant is likely to be disruptive. ClinVar contains an entry for this variant (Variation ID: 1356864).